The following is an entry in ClinVar:

NM_001848.3(COL6A1):c.823G>T (p.Gly275Trp)

Gene: COL6A1 (collagen type VI alpha 1 chain; plus strand). Cytogenetic location: 21q22.3.
Variant type: single nucleotide variant.
Coding change: c.823G>T on transcript NM_001848.3 (MANE Select); coding-DNA position 823, G replaced by T.
Protein change: p.Gly275Trp; replaces glycine 275 with tryptophan.
Molecular consequence: missense variant.
Genome position (GRCh38, 1-based): chr21:45,989,102, G>T. VCF-style: chr21-45989102-G-T. GRCh37 (hg19) VCF-style: chr21-47409016-G-T.
Other names: short protein forms G275W.
Identifiers: ClinVar variation 476439 (VCV000476439.9), dbSNP rs1556425467, ClinGen allele CA410521476.
Genomic context (GRCh38, chr21:45,989,102, plus strand): 5'-AGAAACGGGGCTGCCCCAACCTTGACCTGTTTTGTGTTCCAGGGAGAACGAGGCAAGCCG[G>T]GGCTCCCAGGAGAGAAGGGAGAAGCCGGAGATCCTGTGAGTGCCTGACTGTGGGGTGGGG-3'
Protein context (NP_001839.2, residues 265-285): PGFEGERGKP[Gly275Trp]LPGEKGEAGD

ClinVar aggregate classification (germline): Pathogenic (1 of 4 stars; one submission).

Conditions:
Bethlem myopathy 1A. Also called: Bethlem Muscular Dystrophy; MYOPATHY, BENIGN CONGENITAL, WITH CONTRACTURES; Bethlem myopathy 1. Identifiers: Orphanet 610, MedGen CN029274, MONDO:0024530, OMIM 158810.

Submission:

Labcorp Genetics (formerly Invitae), Labcorp
Classification: Pathogenic for Bethlem myopathy 1A. Last evaluated: 2022-07-19. Review status: criteria provided, single submitter. Criteria: Invitae Variant Classification Sherloc (09022015). Collection method: clinical testing. Allele origin: germline.
Comment: This missense change has been observed in individual(s) with Bethlem myopathy (PMID: 32389683). This variant is not present in population databases (gnomAD no frequency). This sequence change replaces glycine, which is neutral and non-polar, with tryptophan, which is neutral and slightly polar, at codon 275 of the COL6A1 protein (p.Gly275Trp). For these reasons, this variant has been classified as Pathogenic. This variant disrupts the p.Gly275 amino acid residue in COL6A1. Other variant(s) that disrupt this residue have been observed in individuals with COL6A1-related conditions (PMID: 15955946, 27363342; Invitae), which suggests that this may be a clinically significant amino acid residue. This variant disrupts the triple helix domain of COL6A1. Glycine residues within the Gly-Xaa-Yaa repeats of the triple helix domain are required for the structure and stability of fibrillar collagens (PMID: 7695699, 8218237, 19344236). In COL6A1, variants at these glycine residues are significantly enriched in individuals with autosomal dominant disease (PMID: 15689448, 24038877) compared to the general population (ExAC). Advanced modeling of protein sequence and biophysical properties (such as structural, functional, and spatial information, amino acid conservation, physicochemical variation, residue mobility, and thermodynamic stability) performed at Invitae indicates that this missense variant is expected to disrupt COL6A1 protein function. ClinVar contains an entry for this variant (Variation ID: 476439).

Literature cited by the submitters: PubMed 32389683; PubMed 15955946; PubMed 27363342; PubMed 7695699; PubMed 8218237; PubMed 19344236; PubMed 15689448; PubMed 24038877.